The following is an entry in ClinVar:

ClinVar aggregate classification (germline): Uncertain significance (1 of 4 stars; one submission).

Allele frequency attached by ClinVar (database versions not stated): gnomAD 0.00002; TOPMed 0.00002; ExAC 0.00006; gnomAD exomes 0.00008.
gnomAD v4.1: 123 of 1,614,056 alleles (0.0076%); highest among the groups gnomAD compares: Non-Finnish European, 0.01%; no homozygotes.

Submission:

Labcorp Genetics (formerly Invitae), Labcorp
Classification: Uncertain significance. Last evaluated: 2022-06-14. Review status: criteria provided, single submitter. Criteria: Invitae Variant Classification Sherloc (09022015). Collection method: clinical testing. Allele origin: germline.
Comment: This sequence change replaces aspartic acid, which is acidic and polar, with asparagine, which is neutral and polar, at codon 25 of the UMOD protein (p.Asp25Asn). This variant is present in population databases (rs772246118, gnomAD 0.009%). This variant has not been reported in the literature in individuals affected with UMOD-related conditions. Algorithms developed to predict the effect of missense changes on protein structure and function output the following: SIFT: "Tolerated"; PolyPhen-2: "Benign"; Align-GVGD: "Class C0". The asparagine amino acid residue is found in multiple mammalian species, which suggests that this missense change does not adversely affect protein function. In summary, the available evidence is currently insufficient to determine the role of this variant in disease. Therefore, it has been classified as a Variant of Uncertain Significance.

NM_003361.4(UMOD):c.73G>A (p.Asp25Asn)

Gene: UMOD (uromodulin; minus strand). Cytogenetic location: 16p12.3.
Variant type: single nucleotide variant.
Coding change: c.73G>A on transcript NM_003361.4 (MANE Select); coding-DNA position 73, G replaced by A.
Protein change: p.Asp25Asn; replaces aspartic acid 25 with asparagine.
Molecular consequence: missense variant. On other transcripts: non-coding transcript variant (1).
Genome position (GRCh38, 1-based): chr16:20,350,665, C>T on the plus strand (G>A on the coding strand, the complement: UMOD is on the minus strand). VCF-style: chr16-20350665-C-T. GRCh37 (hg19) VCF-style: chr16-20361987-C-T.
Other names: c.73G>A, p.Asp25Asn (NM_001008389.3, NM_001278614.2, NM_001378232.1 and 4 more transcripts); short protein forms D25N.
Identifiers: ClinVar variation 2200562 (VCV002200562.4), dbSNP rs772246118, ClinGen allele CA7939536.